The following is an entry in ClinVar:

ClinVar aggregate classification (germline): Benign/Likely benign. Review status: criteria provided, multiple submitters, no conflicts (2 of 4 stars). 3 submissions from 3 submitters: Benign (1); Likely benign (2). Last evaluated 2025-05-19.

Conditions:
Hereditary cancer-predisposing syndrome. Also called: Neoplastic Syndromes, Hereditary; Hereditary neoplastic syndrome; Tumor predisposition; Hereditary Cancer Syndrome. Identifiers: Orphanet 140162, MedGen C0027672, MeSH D009386, MONDO:0015356.
Tuberous sclerosis 2 (TSC2). Identifiers: Orphanet 805, MedGen C1860707, MONDO:0013199, OMIM 613254.

Submissions (3):

Myriad Genetics, Inc.
Classification: Benign for Tuberous sclerosis 2. Last evaluated: 2025-05-19. Review status: criteria provided, single submitter. Criteria: Myriad Autosomal Dominant, Autosomal Recessive and X-Linked Classification Criteria (2023). Collection method: clinical testing. Allele origin: unknown.
Comment: This variant is considered benign. This variant is a silent/synonymous amino acid change and it is not expected to impact splicing.

Labcorp Genetics (formerly Invitae), Labcorp
Classification: Likely benign for Tuberous sclerosis 2. Last evaluated: 2024-06-22. Review status: criteria provided, single submitter. Criteria: Invitae Variant Classification Sherloc (09022015). Collection method: clinical testing. Allele origin: germline.

Ambry Genetics
Classification: Likely benign for Hereditary cancer-predisposing syndrome. Last evaluated: 2021-03-24. Review status: criteria provided, single submitter. Criteria: Ambry Variant Classification Scheme 2023. Collection method: clinical testing. Allele origin: germline.

NM_000548.5(TSC2):c.2211C>A (p.Leu737=)

Gene: TSC2 (TSC complex subunit 2; plus strand). Cytogenetic location: 16p13.3.
Variant type: single nucleotide variant.
Coding change: c.2211C>A on transcript NM_000548.5 (MANE Select); coding-DNA position 2211, C replaced by A.
Protein change: p.Leu737=; no amino-acid change (leucine 737 retained).
Molecular consequence: synonymous variant.
Genome position (GRCh38, 1-based): chr16:2,072,354, C>A. VCF-style: chr16-2072354-C-A. GRCh37 (hg19) VCF-style: chr16-2122355-C-A.
Other names: c.2211C>A, p.Leu737= (NM_001077183.3, NM_001114382.3, NM_001363528.2 and 3 more transcripts); c.2100C>A, p.Leu700= (NM_001318827.2); c.2064C>A, p.Leu688= (NM_001318829.2); c.1611C>A, p.Leu537= (NM_001318831.2); c.2244C>A, p.Leu748= (NM_001318832.2).
Identifiers: ClinVar variation 1622226 (VCV001622226.11), dbSNP rs369851248, ClinGen allele CA492951328.
Genomic context (GRCh38, chr16:2,072,354, plus strand): 5'-GCGCTATAAAGTGCTCATCTTTACTTCCCCTTGCAGTGTGGACCAGCTGTGCTCTGCTCT[C>A]TGCTCCATGGTACCATGGCCGGCCTGGGGTTGGGGTGGGGGACCCAGTAGGGTTTTTCCC-3'
Protein context (NP_000539.2, residues 727-747): PCSVDQLCSA[Leu737=]CSMLSGPKTL